The following is an entry in ClinVar:

ClinVar aggregate classification (germline): Pathogenic/Likely pathogenic. Review status: criteria provided, multiple submitters, no conflicts (2 of 4 stars). 2 submissions from 2 submitters: Pathogenic (1); Likely pathogenic (1). Last evaluated 2024-12-18.

Conditions:
Mucopolysaccharidosis, MPS-III-A (MPS3A). Also called: HEPARAN SULFATE SULFATASE DEFICIENCY; SANFILIPPO SYNDROME A; SULFAMIDASE DEFICIENCY; MPS III A; Mucopolysaccharidosis type IIIA (Sanfilippo A); MUCOPOLYSACCHARIDOSIS, TYPE IIIA, ATTENUATED. Identifiers: Orphanet 581, Orphanet 79269, MedGen C0086647, MONDO:0009655, OMIM 252900.

Submissions (2):

Natera, Inc.
Classification: Likely pathogenic for Mucopolysaccharidosis type IIIA. Last evaluated: 2024-12-18. Review status: criteria provided, single submitter. Criteria: Natera Variant Classification Schema (03/2026). Collection method: clinical testing. Allele origin: germline.
Comment: The c.691_698delGCAGCCCG variant in SGSH is a frameshift variant predicted to shift the reading frame beginning at codon 231 and leads to a stop codon 26 codons downstream. This variant is expected to result in nonsense mediated decay, truncation, or a dysfunctional protein product. This variant is rare in the general population with a frequency below the threshold expected for the associated phenotype(s). Given the available evidence, this variant is classified as Likely Pathogenic.

Labcorp Genetics (formerly Invitae), Labcorp
Classification: Pathogenic for Mucopolysaccharidosis, MPS-III-A. Last evaluated: 2023-12-02. Review status: criteria provided, single submitter. Criteria: Invitae Variant Classification Sherloc (09022015). Collection method: clinical testing. Allele origin: germline.
Comment: This sequence change creates a premature translational stop signal (p.Ala231Serfs*26) in the SGSH gene. It is expected to result in an absent or disrupted protein product. Loss-of-function variants in SGSH are known to be pathogenic (PMID: 11182930, 21204211, 22976768). This variant is not present in population databases (gnomAD no frequency). This variant has not been reported in the literature in individuals affected with SGSH-related conditions. For these reasons, this variant has been classified as Pathogenic.

Literature cited by the submitters: PubMed 11182930 (cited by Labcorp Genetics (formerly Invitae), Labcorp); PubMed 21204211 (cited by Labcorp Genetics (formerly Invitae), Labcorp); PubMed 22976768 (cited by Labcorp Genetics (formerly Invitae), Labcorp).

NM_000199.5(SGSH):c.691_698del (p.Ala231fs)

Gene: SGSH (N-sulfoglucosamine sulfohydrolase; minus strand). Cytogenetic location: 17q25.3.
Variant type: Deletion.
Coding change: c.691_698del on transcript NM_000199.5 (MANE Select); coding-DNA positions 691 to 698, 8 bases deleted (GCAGCCCG; older notation c.691_698delGCAGCCCG).
Protein change: p.Ala231fs; shifts the reading frame from alanine 231.
Molecular consequence: frameshift variant. On other transcripts: non-coding transcript variant (1).
Genome position (GRCh38, 1-based): chr17:80,213,851-80,213,858, CGGGCTGC deleted on the plus strand (GCAGCCCG on the coding strand, the reverse complement: SGSH is on the minus strand); deleting any 8 consecutive bases within chr17:80,213,851-80,213,862 gives the same sequence; the c. name uses the placement nearest the transcript's 3' end. VCF-style (leftmost placement, unchanged base first): chr17-80213850-TCGGGCTGC-T. GRCh37 (hg19) VCF-style: chr17-78187649-TCGGGCTGC-T.
Other names: c.691_698del, p.Ala231fs (NM_001352921.3, NM_001352922.2); c.691_698delGCAGCCCG (NM_000199.4); short protein forms A231fs.
Identifiers: ClinVar variation 2678726 (VCV002678726.6), dbSNP rs761216892, ClinGen allele CA8817833.